The following is an entry in ClinVar:

NM_198525.3(KIF7):c.3436C>T (p.Arg1146Cys)

Genes: KIF7 (kinesin family member 7; minus strand), LOC126862216 (BRD4-independent group 4 enhancer GRCh37_chr15:90171995-90173194; plus strand). Cytogenetic location: 15q26.1.
Variant type: single nucleotide variant.
Coding change: c.3436C>T on transcript NM_198525.3 (MANE Select); coding-DNA position 3436, C replaced by T.
Protein change: p.Arg1146Cys; replaces arginine 1146 with cysteine.
Molecular consequence: missense variant.
Genome position (GRCh38, 1-based): chr15:89,629,456, G>A on the plus strand (C>T on the coding strand, the complement: KIF7 is on the minus strand). VCF-style: chr15-89629456-G-A. GRCh37 (hg19) VCF-style: chr15-90172687-G-A.
Other names: c.3436C>T (NM_198525.2); short protein forms R1146C.
Identifiers: ClinVar variation 1036465 (VCV001036465.9), dbSNP rs766975299, ClinGen allele CA7727707.

ClinVar aggregate classification (germline): Uncertain significance. Review status: criteria provided, multiple submitters, no conflicts (2 of 4 stars). 4 submissions from 4 submitters: Uncertain significance (4). Last evaluated 2025-11-15.

Conditions:
Inborn genetic diseases. Identifiers: MedGen C0950123, MeSH D030342.
Acrocallosal syndrome (ACLS). Also called: HALLUX DUPLICATION, POSTAXIAL POLYDACTYLY, AND ABSENCE OF CORPUS CALLOSUM; Schinzel syndrome 1; Absence of corpus callosum with unusual facial appearance, mental deficiency, duplication of the halluces and polydactyly. Identifiers: Orphanet 36, MedGen C0796147, MONDO:0008708, OMIM 200990.

Allele frequency attached by ClinVar (database versions not stated): gnomAD 0.00002 and 0.00003; TOPMed 0.00002.
gnomAD v4.1: 42 of 1,609,444 alleles (0.0026%); highest among the groups gnomAD compares: Admixed American, 0.017%; no homozygotes.

Submissions (4):

GeneDx
Classification: Uncertain significance. Last evaluated: 2025-11-15. Review status: criteria provided, single submitter. Criteria: GeneDx Variant Classification Process June 2021. Collection method: clinical testing. Allele origin: germline. Affected: yes.
Comment: Not observed at significant frequency in large population cohorts (gnomAD); In silico analysis supports that this missense variant has a deleterious effect on protein structure/function; Has not been previously published as pathogenic or benign to our knowledge

Labcorp Genetics (formerly Invitae), Labcorp
Classification: Uncertain significance for Acrocallosal syndrome. Last evaluated: 2025-01-13. Review status: criteria provided, single submitter. Criteria: Invitae Variant Classification Sherloc (09022015). Collection method: clinical testing. Allele origin: germline.
Comment: This sequence change replaces arginine, which is basic and polar, with cysteine, which is neutral and slightly polar, at codon 1146 of the KIF7 protein (p.Arg1146Cys). This variant is present in population databases (rs766975299, gnomAD 0.01%). This variant has not been reported in the literature in individuals affected with KIF7-related conditions. ClinVar contains an entry for this variant (Variation ID: 1036465). Invitae Evidence Modeling of protein sequence and biophysical properties (such as structural, functional, and spatial information, amino acid conservation, physicochemical variation, residue mobility, and thermodynamic stability) indicates that this missense variant is not expected to disrupt KIF7 protein function with a negative predictive value of 80%. In summary, the available evidence is currently insufficient to determine the role of this variant in disease. Therefore, it has been classified as a Variant of Uncertain Significance.

Ambry Genetics
Classification: Uncertain significance for Inborn genetic diseases. Last evaluated: 2022-10-25. Review status: criteria provided, single submitter. Criteria: Ambry Variant Classification Scheme 2023. Collection method: clinical testing. Allele origin: germline.

Blueprint Genetics
Classification: Uncertain significance. Last evaluated: 2022-09-15. Review status: criteria provided, single submitter. Criteria: ACMG Guidelines, 2015. Collection method: clinical testing. Allele origin: germline.